The following is an entry in ClinVar:

NM_005902.4(SMAD3):c.860G>T (p.Arg287Leu)

Gene: SMAD3 (SMAD family member 3; plus strand). Cytogenetic location: 15q22.33.
Variant type: single nucleotide variant.
Coding change: c.860G>T on transcript NM_005902.4 (MANE Select); coding-DNA position 860, G replaced by T.
Protein change: p.Arg287Leu; replaces arginine 287 with leucine.
Molecular consequence: missense variant.
Genome position (GRCh38, 1-based): chr15:67,181,442, G>T. VCF-style: chr15-67181442-G-T. GRCh37 (hg19) VCF-style: chr15-67473780-G-T.
Other names: c.545G>T, p.Arg182Leu (NM_001145102.2, NM_001407016.1); c.728G>T, p.Arg243Leu (NM_001145103.2, NM_001407012.1); c.275G>T, p.Arg92Leu (NM_001145104.2, NM_001407017.1); c.860G>T, p.Arg287Leu (NM_001407011.1, NM_001407013.1); c.713G>T, p.Arg238Leu (NM_001407014.1); c.413G>T, p.Arg138Leu (NM_001407015.1); short protein forms R138L, R182L, R238L, R243L, R287L, R92L.
Identifiers: ClinVar variation 3074495 (VCV003074495.1), dbSNP rs730880214, ClinGen allele CA392956411.

ClinVar aggregate classification (germline): Uncertain significance (1 of 4 stars; one submission).

Conditions:
Aneurysm-osteoarthritis syndrome. Also called: SMAD3-Related Loeys-Dietz Syndrome; ANEURYSMS-OSTEOARTHRITIS SYNDROME; Loeys-Dietz syndrome, type 1C; LOEYS-DIETZ SYNDROME WITH OSTEOARTHRITIS. Identifiers: Orphanet 284984, MedGen C3151087, MONDO:0013426, OMIM 613795.

Submission:

All of Us Research Program, National Institutes of Health
Classification: Uncertain significance for Aneurysm-osteoarthritis syndrome. Last evaluated: 2023-11-20. Review status: criteria provided, single submitter. Criteria: ACMG Guidelines, 2015. Collection method: clinical testing. Allele origin: germline. Inheritance: Autosomal dominant inheritance. Observed: 1 variant allele, 1 heterozygote.
Comment: This missense variant replaces arginine with leucine at codon 287 of the SMAD3 protein. Computational prediction suggests that this variant may have deleterious impact on protein structure and function (internally defined REVEL score threshold >= 0.7, PMID: 27666373). To our knowledge, functional studies have not been reported for this variant. This variant has not been reported in individuals affected with SMAD3-related disorders in the literature. This variant has not been identified in the general population by the Genome Aggregation Database (gnomAD). The available evidence is insufficient to determine the role of this variant in disease conclusively. Therefore, this variant is classified as a Variant of Uncertain Significance.

This study involves interpretation of variants in research participants for the purpose of population health screening. Participant phenotype was not available at the time of variant classification. Additional details can be found in publication PMID: 35346344, PMCID: PMC8962531